The following is an entry in ClinVar:

ClinVar aggregate classification (germline): Likely benign (1 of 4 stars; one submission).

gnomAD v4.1: 1 of 1,145,637 alleles (0.000087%); no homozygotes.

Submission:

GeneDx
Classification: Likely benign. Last evaluated: 2013-03-26. Review status: criteria provided, single submitter. Criteria: GeneDx Variant Classification (06012015). Collection method: clinical testing. Allele origin: germline. Affected: yes.
Comment: This variant is considered likely benign or benign based on one or more of the following criteria: it is a conservative change, it occurs at a poorly conserved position in the protein, it is predicted to be benign by multiple in silico algorithms, and/or has population frequency not consistent with disease.

NM_001184880.2(PCDH19):c.-9C>T

Gene: PCDH19 (protocadherin 19; minus strand). Cytogenetic location: Xq22.1.
Variant type: single nucleotide variant.
Coding change: c.-9C>T on transcript NM_001184880.2 (MANE Select); 9 bases upstream of the start codon, C replaced by T.
Molecular consequence: 5 prime UTR variant.
Genome position (GRCh38, 1-based): chrX:100,408,606, G>A on the plus strand (C>T on the coding strand, the complement: PCDH19 is on the minus strand). VCF-style: chrX-100408606-G-A. GRCh37 (hg19) VCF-style: chrX-99663604-G-A.
Other names: c.-9C>T (NM_001105243.2, NM_020766.3).
Identifiers: ClinVar variation 206290 (VCV000206290.1), dbSNP rs773547239, ClinGen allele CA316229.